The following is an entry in ClinVar:

ClinVar aggregate classification (germline): Uncertain significance (1 of 4 stars; one submission).

Submission:

GeneDx
Classification: Uncertain significance. Last evaluated: 2023-03-28. Review status: criteria provided, single submitter. Criteria: GeneDx Variant Classification Process June 2021. Collection method: clinical testing. Allele origin: germline. Affected: yes.
Comment: Not observed at significant frequency in large population cohorts (gnomAD); In silico analysis supports that this missense variant does not alter protein structure/function; Has not been previously published as pathogenic or benign to our knowledge

NM_031263.4(HNRNPK):c.871C>T (p.Pro291Ser)

Gene: HNRNPK (heterogeneous nuclear ribonucleoprotein K; minus strand). Cytogenetic location: 9q21.32.
Variant type: single nucleotide variant.
Coding change: c.871C>T on transcript NM_031263.4 (MANE Select); coding-DNA position 871, C replaced by T.
Protein change: p.Pro291Ser; replaces proline 291 with serine.
Molecular consequence: missense variant.
Genome position (GRCh38, 1-based): chr9:83,971,964, G>A on the plus strand (C>T on the coding strand, the complement: HNRNPK is on the minus strand). VCF-style: chr9-83971964-G-A. GRCh37 (hg19) VCF-style: chr9-86586879-G-A.
Other names: c.799C>T, p.Pro267Ser (NM_001318186.2, NM_001318187.2); c.871C>T, p.Pro291Ser (NM_001318188.2, NM_002140.5, NM_031262.4); short protein forms P267S, P291S.
Identifiers: ClinVar variation 2581815 (VCV002581815.1), dbSNP rs2491969712, ClinGen allele CA373923716.